The following is an entry in ClinVar:

ClinVar aggregate classification (germline): Likely benign. Review status: criteria provided, multiple submitters, no conflicts (2 of 4 stars). 4 submissions from 4 submitters: Likely benign (4). Last evaluated 2026-02-01.

Conditions:
Charcot-Marie-Tooth disease axonal type 2O. Also called: CHARCOT-MARIE-TOOTH NEUROPATHY, AXONAL, TYPE 2O; CHARCOT-MARIE-TOOTH DISEASE, AXONAL, AUTOSOMAL DOMINANT, TYPE 2O; Charcot-Marie-Tooth disease, axonal, type 20; Charcot-Marie-Tooth Neuropathy Type 2O. Identifiers: Orphanet 284232, MedGen C3280220, MONDO:0013644, OMIM 614228.

Allele frequency attached by ClinVar (database versions not stated): gnomAD 0.00001; gnomAD exomes 0.00002; TOPMed 0.00003; ExAC 0.00001.
gnomAD v4.1: 29 of 1,614,022 alleles (0.0018%); highest among the groups gnomAD compares: East Asian, 0.0045%; no homozygotes.

Submissions (4):

CeGaT Center for Human Genetics Tuebingen
Classification: Likely benign. Last evaluated: 2026-02-01. Review status: criteria provided, single submitter. Criteria: CeGaT Center For Human Genetics Tuebingen Variant Classification Criteria Version 2. Collection method: clinical testing. Allele origin: germline. Affected: yes. Observed: 4 variant alleles.
Comment: DYNC1H1: BP4, BP7

Labcorp Genetics (formerly Invitae), Labcorp
Classification: Likely benign for Charcot-Marie-Tooth disease axonal type 2O. Last evaluated: 2025-11-10. Review status: criteria provided, single submitter. Criteria: Invitae Variant Classification Sherloc (09022015). Collection method: clinical testing. Allele origin: germline.

Blueprint Genetics
Classification: Likely benign. Last evaluated: 2024-11-11. Review status: criteria provided, single submitter. Criteria: ACMG Guidelines, 2015. Collection method: clinical testing. Allele origin: germline.

GeneDx
Classification: Likely benign. Last evaluated: 2017-11-02. Review status: criteria provided, single submitter. Criteria: GeneDx Variant Classification (06012015). Collection method: clinical testing. Allele origin: germline. Affected: yes.
Comment: This variant is considered likely benign or benign based on one or more of the following criteria: it is a conservative change, it occurs at a poorly conserved position in the protein, it is predicted to be benign by multiple in silico algorithms, and/or has population frequency not consistent with disease.

NM_001376.5(DYNC1H1):c.4215C>T (p.Ser1405=)

Gene: DYNC1H1 (dynein cytoplasmic 1 heavy chain 1; plus strand). Cytogenetic location: 14q32.31.
Variant type: single nucleotide variant.
Coding change: c.4215C>T on transcript NM_001376.5 (MANE Select); coding-DNA position 4215, C replaced by T.
Protein change: p.Ser1405=; no amino-acid change (serine 1405 retained).
Molecular consequence: synonymous variant.
Genome position (GRCh38, 1-based): chr14:102,001,174, C>T. VCF-style: chr14-102001174-C-T. GRCh37 (hg19) VCF-style: chr14-102467511-C-T.
Identifiers: ClinVar variation 512947 (VCV000512947.42), dbSNP rs748713162, ClinGen allele CA7352200.
Genomic context (GRCh38, chr14:102,001,174, plus strand): 5'-GCACAGATCACTTTGTTTACTTTCTCCACAGATAAATATGCTGGTGATTGAACTGAAATC[C>T]GAAGCACTTAAAGACCGCCATTGGAAACAGCTCATGAAAAGGCTTCACGTTAATTGGGTT-3'
Protein context (NP_001367.2, residues 1395-1415): KINMLVIELK[Ser1405=]EALKDRHWKQ